The following is an entry in ClinVar:

ClinVar aggregate classification (germline): Likely pathogenic (1 of 4 stars; one submission).

Conditions:
Gaucher disease. Also called: Acute cerebral Gaucher disease; Cerebroside lipidosis syndrome; Gaucher splenomegaly; Sphingolipidosis 1; Glucocerebrosidosis; Glucosylceramidase deficiency. Identifiers: Orphanet 355, MedGen C0017205, MONDO:0018150.

Submission:

Natera, Inc.
Classification: Likely pathogenic for Gaucher disease. Last evaluated: 2024-04-17. Review status: criteria provided, single submitter. Criteria: Natera Variant Classification Schema (03/2026). Collection method: clinical testing. Allele origin: germline.
Comment: The c.116-1G>C variant in GBA1 is a canonical splice acceptor site variant predicted to affect pre-mRNA splicing, which may result in an abnormal transcript and altered protein product. This variant is expected to result in nonsense mediated decay, truncation, or a dysfunctional protein product. This variant is rare in the general population with a frequency below the threshold expected for the associated phenotype(s). Given the available evidence, this variant is classified as Likely Pathogenic.

NM_000157.4(GBA1):c.116-1G>C

Genes: GBA1 (glucosylceramidase beta 1; minus strand), LOC106627981 (GBA recombination region; plus strand). Cytogenetic location: 1q22.
Variant type: single nucleotide variant.
Coding change: c.116-1G>C on transcript NM_000157.4 (MANE Select); the canonical splice acceptor site of the intron before coding-DNA position 116, G replaced by C.
Molecular consequence: splice acceptor variant.
Genome position (GRCh38, 1-based): chr1:155,240,078, C>G on the plus strand (G>C on the coding strand, the complement: GBA1 is on the minus strand). VCF-style: chr1-155240078-C-G. GRCh37 (hg19) VCF-style: chr1-155209869-C-G.
Other names: c.-146-1G>C (NM_001171811.2); c.116-1G>C (NM_001005742.3, NM_001005741.3, NM_001171812.2).
Identifiers: ClinVar variation 4817683 (VCV004817683.1).